The following is an entry in ClinVar:

ClinVar aggregate classification (germline): Uncertain significance (1 of 4 stars; one submission).

gnomAD v4.1: 20 of 1,614,168 alleles (0.0012%); highest among the groups gnomAD compares: Admixed American, 0.005%; no homozygotes.

Submission:

Labcorp Genetics (formerly Invitae), Labcorp
Classification: Uncertain significance. Last evaluated: 2024-11-18. Review status: criteria provided, single submitter. Criteria: Invitae Variant Classification Sherloc (09022015). Collection method: clinical testing. Allele origin: germline.
Comment: This sequence change replaces alanine, which is neutral and non-polar, with valine, which is neutral and non-polar, at codon 125 of the VCAN protein (p.Ala125Val). This variant is present in population databases (rs201689008, gnomAD 0.004%). This variant has not been reported in the literature in individuals affected with VCAN-related conditions. An algorithm developed to predict the effect of missense changes on protein structure and function (PolyPhen-2) suggests that this variant is likely to be disruptive. In summary, the available evidence is currently insufficient to determine the role of this variant in disease. Therefore, it has been classified as a Variant of Uncertain Significance.

NM_004385.5(VCAN):c.374C>T (p.Ala125Val)

Gene: VCAN (versican; plus strand). Cytogenetic location: 5q14.2.
Variant type: single nucleotide variant.
Coding change: c.374C>T on transcript NM_004385.5 (MANE Select); coding-DNA position 374, C replaced by T.
Protein change: p.Ala125Val; replaces alanine 125 with valine.
Molecular consequence: missense variant.
Genome position (GRCh38, 1-based): chr5:83,490,401, C>T. VCF-style: chr5-83490401-C-T. GRCh37 (hg19) VCF-style: chr5-82786220-C-T.
Other names: c.374C>T, p.Ala125Val (NM_001126336.3, NM_001164097.2, NM_001164098.2); short protein forms A125V.
Identifiers: ClinVar variation 3677269 (VCV003677269.2).
Genomic context (GRCh38, chr5:83,490,401, plus strand): 5'-CACATCCCGAGGCTGTGGGCGATGCCTCCCTCACTGTGGTCAAGCTGCTGGCAAGTGATG[C>T]GGGTCTTTACCGCTGTGACGTCATGTACGGGATTGAAGACACACAAGACACGGTGTCACT-3'
Protein context (NP_004376.2, residues 115-135): LTVVKLLASD[Ala125Val]GLYRCDVMYG